The following is an entry in ClinVar:

ClinVar aggregate classification (germline): Benign (1 of 4 stars; one submission).

Allele frequency attached by ClinVar (database versions not stated): 1000 Genomes Project 0.34685; gnomAD 0.21411 and 0.21952; TOPMed 0.24167; 1000 Genomes Project 30x 0.34057.
gnomAD v4.1: 33,310 of 152,096 alleles (22%); highest among the groups gnomAD compares: East Asian, 65%; 4,789 homozygotes.

Submission:

GeneDx
Classification: Benign. Last evaluated: 2018-06-14. Review status: criteria provided, single submitter. Criteria: GeneDx Variant Classification (06012015). Collection method: clinical testing. Allele origin: germline. Affected: yes.
Comment: This variant is considered likely benign or benign based on one or more of the following criteria: it is a conservative change, it occurs at a poorly conserved position in the protein, it is predicted to be benign by multiple in silico algorithms, and/or has population frequency not consistent with disease.

NM_144736.5(NDUFAF7):c.936+247T>C

Gene: NDUFAF7 (NADH:ubiquinone oxidoreductase complex assembly factor 7; plus strand). Cytogenetic location: 2p22.2.
Variant type: single nucleotide variant.
Coding change: c.936+247T>C on transcript NM_144736.5 (MANE Select); 247 bases into the intron after coding-DNA position 936, T replaced by C.
Molecular consequence: intron variant.
Genome position (GRCh38, 1-based): chr2:37,246,442, T>C. VCF-style: chr2-37246442-T-C. GRCh37 (hg19) VCF-style: chr2-37473585-T-C.
Other names: c.936+247T>C (NM_001350024.2); c.723+247T>C (NM_001350027.2); c.855+247T>C (NM_001350025.2); c.642+247T>C (NM_001083946.2).
Identifiers: ClinVar variation 682735 (VCV000682735.1), dbSNP rs11897101, ClinGen allele CA45478043.